The following is an entry in ClinVar:

ClinVar aggregate classification (germline): Uncertain significance (1 of 4 stars; one submission).

Submission:

GeneDx
Classification: Uncertain significance. Last evaluated: 2026-03-21. Review status: criteria provided, single submitter. Criteria: GeneDx Variant Classification Process June 2021. Collection method: clinical testing. Allele origin: germline.
Comment: Not observed at significant frequency in large population cohorts (gnomAD); In silico analysis supports that this missense variant has a deleterious effect on protein structure/function; Has not been previously published as pathogenic or benign to our knowledge

NM_000807.4(GABRA2):c.165T>G (p.Asn55Lys)

Gene: GABRA2 (gamma-aminobutyric acid type A receptor subunit alpha2; minus strand). Cytogenetic location: 4p12.
Variant type: single nucleotide variant.
Coding change: c.165T>G on transcript NM_000807.4 (MANE Select); coding-DNA position 165, T replaced by G.
Protein change: p.Asn55Lys; replaces asparagine 55 with lysine.
Molecular consequence: missense variant.
Genome position (GRCh38, 1-based): chr4:46,386,096, A>C on the plus strand (T>G on the coding strand, the complement: GABRA2 is on the minus strand). VCF-style: chr4-46386096-A-C. GRCh37 (hg19) VCF-style: chr4-46388113-A-C.
Other names: c.165T>G, p.Asn55Lys (NM_001114175.3, NM_001330690.2, NM_001377144.1 and 8 more transcripts); c.68T>G, p.Ile23Ser (NM_001286827.3, NM_001377152.1, NM_001377153.1 and 1 more transcripts); short protein forms N55K, I23S.
Identifiers: ClinVar variation 5009589 (VCV005009589.1).
Genomic context (GRCh38, chr4:46,386,096, plus strand): 5'-ATTTTACGAGAGTTTTAAAAGAGGAAAACTATTTTTACCTCCCAGTCCTGGTCTAAGCCG[A>C]TTATCGTAACCATCCAGAAGTCTGTCAAGAATTCTCGTAAAGATGGTAATGTTATTTTTA-3'
Protein context (NP_000798.2, residues 45-65): ILDRLLDGYD[Asn55Lys]RLRPGLGDSI